The following is an entry in ClinVar:

ClinVar aggregate classification (germline): Likely benign. Review status: criteria provided, multiple submitters, no conflicts (2 of 4 stars). 3 submissions from 3 submitters: Likely benign (2). 1 of the submissions does not count toward it. Last evaluated 2025-08-25.

Conditions:
NF1-related disorder. Also called: NF1-related condition. Identifiers: MedGen CN379171.
Hereditary cancer-predisposing syndrome. Also called: Neoplastic Syndromes, Hereditary; Tumor predisposition; Hereditary Cancer Syndrome; Hereditary neoplastic syndrome. Identifiers: Orphanet 140162, MedGen C0027672, MeSH D009386, MONDO:0015356.
Cardiovascular phenotype. Identifiers: MedGen CN230736.
Neurofibromatosis, type 1 (NF1). Also called: NEUROFIBROMATOSIS, TYPE I, SOMATIC; Peripheral type neurofibromatosis; Neurofibromatosis, type I; VON RECKLINGHAUSEN DISEASE. Identifiers: Orphanet 636, MedGen C0027831, MONDO:0018975, OMIM 162200. Disease mechanism: loss of function.

Allele frequency attached by ClinVar (database versions not stated): gnomAD exomes below 0.00001; TOPMed below 0.00001.
gnomAD v4.1: 1 of 1,614,046 alleles (0.000062%); highest among the groups gnomAD compares: African/African-American, 0.0013%; no homozygotes.

Submissions (3):

Labcorp Genetics (formerly Invitae), Labcorp
Classification: Likely benign for Neurofibromatosis, type 1. Last evaluated: 2025-08-25. Review status: criteria provided, single submitter. Criteria: Invitae Variant Classification Sherloc (09022015). Collection method: clinical testing. Allele origin: germline.

Ambry Genetics
Classification: Likely benign for Cardiovascular phenotype; Hereditary cancer-predisposing syndrome. Last evaluated: 2022-03-04. Review status: criteria provided, single submitter. Criteria: Ambry Variant Classification Scheme 2023. Collection method: clinical testing. Allele origin: germline.

PreventionGenetics, part of Exact Sciences
Classification: Likely benign for NF1-related condition. Last evaluated: 2022-08-05. Review status: no assertion criteria provided. Collection method: clinical testing. Allele origin: germline. Not counted in ClinVar's aggregate classification.
Comment: This variant is classified as likely benign based on ACMG/AMP sequence variant interpretation guidelines (Richards et al. 2015 PMID: 25741868, with internal and published modifications).

NM_001042492.3(NF1):c.780C>T (p.Thr260=)

Gene: NF1 (neurofibromin 1; plus strand). Cytogenetic location: 17q11.2.
Variant type: single nucleotide variant.
Coding change: c.780C>T on transcript NM_001042492.3 (MANE Select); coding-DNA position 780, C replaced by T.
Protein change: p.Thr260=; no amino-acid change (threonine 260 retained).
Molecular consequence: synonymous variant.
Genome position (GRCh38, 1-based): chr17:31,182,557, C>T. VCF-style: chr17-31182557-C-T. GRCh37 (hg19) VCF-style: chr17-29509575-C-T.
Other names: c.780C>T, p.Thr260= (NM_000267.4, NM_001128147.3).
Identifiers: ClinVar variation 1568827 (VCV001568827.12), dbSNP rs1358425599, ClinGen allele CA499209168.
Genomic context (GRCh38, chr17:31,182,557, plus strand): 5'-TTTTCATGCAGAATGTGCAGAAAAGCTATTTGACTTGGTGGATGGTTTTGCTGAAAGCAC[C>T]AAACGTAAAGCAGCAGTTTGGCCACTACAAATCATTCTCCTTATCTTGTGTCCAGAAATA-3'
Protein context (NP_001035957.1, residues 250-270): FDLVDGFAES[Thr260=]KRKAAVWPLQ